The following is an entry in ClinVar:

ClinVar aggregate classification (germline): Uncertain significance (1 of 4 stars; one submission).

Conditions:
Lower motor neuron syndrome with late-adult onset (SMAJ). Also called: Spinal muscular atrophy, Jokela type; Late-Onset Spinal Motor Neuronopathy (SMAJ). Identifiers: Orphanet 276435, MedGen C3554398, MONDO:0014025, OMIM 615048.
Frontotemporal dementia and/or amyotrophic lateral sclerosis 2. Also called: FTDALS2. Identifiers: Orphanet 275872, MedGen C4014648, MONDO:0014395, OMIM 615911.
Autosomal dominant mitochondrial myopathy with exercise intolerance (IMMD). Also called: Myopathy, isolated mitochondrial, autosomal dominant. Identifiers: Orphanet 457050, MedGen C4015513, MONDO:0014532, OMIM 616209.

Allele frequency attached by ClinVar (database versions not stated): ExAC 0.00007; TOPMed below 0.00001.

Submission:

Labcorp Genetics (formerly Invitae), Labcorp
Classification: Uncertain significance for Lower motor neuron syndrome with late-adult onset; Frontotemporal dementia and/or amyotrophic lateral sclerosis 2; Autosomal dominant mitochondrial myopathy with exercise intolerance. Last evaluated: 2024-08-22. Review status: criteria provided, single submitter. Criteria: Invitae Variant Classification Sherloc (09022015). Collection method: clinical testing. Allele origin: germline.
Comment: This sequence change replaces alanine, which is neutral and non-polar, with threonine, which is neutral and polar, at codon 37 of the CHCHD10 protein (p.Ala37Thr). This variant is present in population databases (rs752472094, gnomAD 0.02%). This variant has not been reported in the literature in individuals affected with CHCHD10-related conditions. ClinVar contains an entry for this variant (Variation ID: 1426672). Experimental studies and prediction algorithms are not available or were not evaluated, and the functional significance of this variant is currently unknown. In summary, the available evidence is currently insufficient to determine the role of this variant in disease. Therefore, it has been classified as a Variant of Uncertain Significance.

NM_213720.3(CHCHD10):c.109G>A (p.Ala37Thr)

Gene: CHCHD10 (coiled-coil-helix-coiled-coil-helix domain containing 10; minus strand). Cytogenetic location: 22q11.23.
Variant type: single nucleotide variant.
Coding change: c.109G>A on transcript NM_213720.3 (MANE Select); coding-DNA position 109, G replaced by A.
Protein change: p.Ala37Thr; replaces alanine 37 with threonine.
Molecular consequence: missense variant. On other transcripts: non-coding transcript variant (1).
Genome position (GRCh38, 1-based): chr22:23,767,526, C>T on the plus strand (G>A on the coding strand, the complement: CHCHD10 is on the minus strand). VCF-style: chr22-23767526-C-T. GRCh37 (hg19) VCF-style: chr22-24109713-C-T.
Other names: c.109G>A, p.Ala37Thr (NM_001301339.2); short protein forms A37T.
Identifiers: ClinVar variation 1426672 (VCV001426672.8), dbSNP rs752472094, ClinGen allele CA10145313.